The following is an entry in ClinVar:

ClinVar aggregate classification (germline): Likely benign. Review status: criteria provided, multiple submitters, no conflicts (2 of 4 stars). 2 submissions from 2 submitters: Likely benign (2). Last evaluated 2025-05-05.

Conditions:
Vitreoretinopathy. Also called: Vitreoretinal degeneration. Identifiers: MedGen C0344290, MONDO:0020248, HP:0007773.

Allele frequency attached by ClinVar (database versions not stated): gnomAD 0.00001; TOPMed 0.00001; ExAC 0.00002.
gnomAD v4.1: 8 of 1,613,864 alleles (0.0005%); highest among the groups gnomAD compares: Admixed American, 0.005%; no homozygotes.

Submissions (2):

Labcorp Genetics (formerly Invitae), Labcorp
Classification: Likely benign. Last evaluated: 2025-05-05. Review status: criteria provided, single submitter. Criteria: Invitae Variant Classification Sherloc (09022015). Collection method: clinical testing. Allele origin: germline.

Illumina Laboratory Services, Illumina
Classification: Likely benign for Vitreoretinopathy. Last evaluated: 2018-01-13. Review status: criteria provided, single submitter. Criteria: ICSL Variant Classification Criteria 13 December 2019. Collection method: clinical testing. Allele origin: germline.
Comment: This variant was observed in the ICSL laboratory as part of a predisposition screen in an ostensibly healthy population. It had not been previously curated by ICSL or reported in the Human Gene Mutation Database (HGMD: prior to June 1st, 2018), and was therefore a candidate for classification through an automated scoring system. Utilizing variant allele frequency, disease prevalence and penetrance estimates, and inheritance mode, an automated score was calculated to assess if this variant is too frequent to cause the disease. Based on the score and internal cut-off values, a variant classified as likely benign is not then subjected to further curation. The score for this variant resulted in a classification of likely benign for this disease.

NM_004385.5(VCAN):c.8454G>A (p.Ala2818=)

Genes: VCAN (versican; plus strand), VCAN-AS1 (VCAN antisense RNA 1; minus strand). Cytogenetic location: 5q14.3.
Variant type: single nucleotide variant.
Coding change: c.8454G>A on transcript NM_004385.5 (MANE Select); coding-DNA position 8454, G replaced by A.
Protein change: p.Ala2818=; no amino-acid change (alanine 2818 retained).
Molecular consequence: synonymous variant. On other transcripts: intron variant (2).
Genome position (GRCh38, 1-based): chr5:83,541,457, G>A. VCF-style: chr5-83541457-G-A. GRCh37 (hg19) VCF-style: chr5-82837276-G-A.
Other names: c.5493G>A, p.Ala1831= (NM_001164097.2); c.4004-4080G>A (NM_001164098.2); c.1043-4080G>A (NM_001126336.3).
Identifiers: ClinVar variation 354459 (VCV000354459.14), dbSNP rs773474075, ClinGen allele CA3333810.